The following is an entry in ClinVar:

NM_000179.3(MSH6):c.3540dup (p.Asp1181fs)

Gene: MSH6 (mutS homolog 6; plus strand). Cytogenetic location: 2p16.3.
Variant type: Duplication.
Coding change: c.3540dup on transcript NM_000179.3 (MANE Select); coding-DNA position 3540, one base duplicated (A; older notation c.3540dupA).
Protein change: p.Asp1181fs; shifts the reading frame from aspartic acid 1181.
Molecular consequence: frameshift variant.
Genome position (GRCh38, 1-based): chr2:47,805,011, A duplicated. VCF-style (leftmost placement, unchanged base first): chr2-47805010-C-CA. GRCh37 (hg19) VCF-style: chr2-48032149-C-CA.
Other names: c.3150dup, p.Asp1051fs (NM_001281492.2); c.2634dup, p.Asp879fs (NM_001281493.2, NM_001281494.2); c.3636dup, p.Asp1213Argfs (NM_001406795.1, NM_001406802.1); c.3540dup, p.Asp1181Argfs (NM_001406796.1, NM_001406800.1, NM_001406808.1 and 1 more transcripts); c.3243dup, p.Asp1082Argfs (NM_001406797.1, NM_001406801.1, NM_001406805.1 and 10 more transcripts); c.3366dup, p.Asp1123Argfs (NM_001406798.1); c.3015dup, p.Asp1006Argfs (NM_001406799.1, NM_001406806.1, NM_001406807.1); c.2676dup, p.Asp893Argfs (NM_001406803.1); and 9 more; short protein forms D1051fs, D879fs, D1181fs.
Identifiers: ClinVar variation 1732468 (VCV001732468.2), dbSNP rs2530806423, ClinGen allele CA2580067195.

ClinVar aggregate classification (germline): Pathogenic (1 of 4 stars; one submission).

Conditions:
Hereditary cancer-predisposing syndrome. Also called: Neoplastic Syndromes, Hereditary; Tumor predisposition; Hereditary Cancer Syndrome; Hereditary neoplastic syndrome. Identifiers: Orphanet 140162, MedGen C0027672, MeSH D009386, MONDO:0015356.

Submission:

Ambry Genetics
Classification: Pathogenic for Hereditary cancer-predisposing syndrome. Last evaluated: 2020-09-21. Review status: criteria provided, single submitter. Criteria: Ambry Variant Classification Scheme 2023. Collection method: clinical testing. Allele origin: germline.
Comment: The c.3540dupA pathogenic mutation, located in coding exon 6 of the MSH6 gene, results from a duplication of A at nucleotide position 3540, causing a translational frameshift with a predicted alternate stop codon (p.D1181Rfs*7). This alteration is expected to result in loss of function by premature protein truncation or nonsense-mediated mRNA decay. As such, this alteration is interpreted as a disease-causing mutation.